The following is an entry in ClinVar:

ClinVar aggregate classification (germline): Benign. Review status: criteria provided, multiple submitters, no conflicts (2 of 4 stars). 5 submissions from 5 submitters: Benign (5). Last evaluated 2026-02-02.

Allele frequency attached by ClinVar (database versions not stated): gnomAD exomes 0.03244 and 0.03450; ExAC 0.03731; 1000 Genomes Project 0.03734; 1000 Genomes Project 30x 0.03779; gnomAD 0.04534 and 0.04733; TOPMed 0.04947; ESP Exome Variant Server 0.05237.
gnomAD v4.1: 57,621 of 1,613,734 alleles (3.6%); highest among the groups gnomAD compares: Middle Eastern, 14%; 1,309 homozygotes.

Submissions (5):

Labcorp Genetics (formerly Invitae), Labcorp
Classification: Benign. Last evaluated: 2026-02-02. Review status: criteria provided, single submitter. Criteria: Invitae Variant Classification Sherloc (09022015). Collection method: clinical testing. Allele origin: germline.

Blueprint Genetics
Classification: Benign. Last evaluated: 2024-11-28. Review status: criteria provided, single submitter. Criteria: ACMG Guidelines, 2015. Collection method: clinical testing. Allele origin: germline.

GeneDx
Classification: Benign. Last evaluated: 2019-03-25. Review status: criteria provided, single submitter. Criteria: GeneDx Variant Classification Process June 2021. Collection method: clinical testing. Allele origin: germline. Affected: yes.

Laboratory for Molecular Medicine, Mass General Brigham Personalized Medicine
Classification: Benign. Last evaluated: 2014-11-24. Review status: criteria provided, single submitter. Criteria: LMM Criteria. Collection method: clinical testing. Allele origin: germline. Observed: 7 variant alleles.
Comment: Cys234Cys in exon 6 of CSF2RB: This variant is not expected to have clinical sig nificance because it does not alter an amino acid residue and is not located wit hin the splice consensus sequence. It has been identified in 8.0% (352/4406) of African American chromosomes from a broad population by the NHLBI Exome Sequenci ng Project (dbSNP rs16846).

Breakthrough Genomics
Classification: Benign. Review status: criteria provided, single submitter. Criteria: ACMG Guidelines, 2015. Collection method: not provided. Allele origin: germline. Inheritance: Autosomal recessive inheritance. Affected: yes.

NM_000395.3(CSF2RB):c.702C>T (p.Cys234=)

Gene: CSF2RB (colony stimulating factor 2 receptor subunit beta; plus strand). Cytogenetic location: 22q12.3.
Variant type: single nucleotide variant.
Coding change: c.702C>T on transcript NM_000395.3 (MANE Select); coding-DNA position 702, C replaced by T.
Protein change: p.Cys234=; no amino-acid change (cysteine 234 retained).
Molecular consequence: synonymous variant.
Genome position (GRCh38, 1-based): chr22:36,929,791, C>T. VCF-style: chr22-36929791-C-T. GRCh37 (hg19) VCF-style: chr22-37325833-C-T.
Identifiers: ClinVar variation 226554 (VCV000226554.16), dbSNP rs16846, ClinGen allele CA10213547.